The following is an entry in ClinVar:

ClinVar aggregate classification (germline): Uncertain significance (1 of 4 stars; one submission).

Conditions:
Myofibrillar myopathy 5. Also called: FILAMINOPATHY, AUTOSOMAL DOMINANT; Filaminopathy (type). Identifiers: Orphanet 171445, MedGen C1836050, MONDO:0012289, OMIM 609524.
Distal myopathy with posterior leg and anterior hand involvement. Also called: WILLIAMS DISTAL MYOPATHY. Identifiers: Orphanet 63273, MedGen C3279722, MONDO:0013550, OMIM 614065.
Hypertrophic cardiomyopathy 26. Also called: Cardiomyopathy, familial hypertrophic, 26. Identifiers: Orphanet 75249, MedGen C4310749, MONDO:0014883, OMIM 617047.

Submission:

Labcorp Genetics (formerly Invitae), Labcorp
Classification: Uncertain significance for Distal myopathy with posterior leg and anterior hand involvement; Myofibrillar myopathy 5; Hypertrophic cardiomyopathy 26. Last evaluated: 2022-03-10. Review status: criteria provided, single submitter. Criteria: Invitae Variant Classification Sherloc (09022015). Collection method: clinical testing. Allele origin: germline.
Comment: In summary, the available evidence is currently insufficient to determine the role of this variant in disease. Therefore, it has been classified as a Variant of Uncertain Significance. Algorithms developed to predict the effect of missense changes on protein structure and function are either unavailable or do not agree on the potential impact of this missense change (SIFT: "Deleterious"; PolyPhen-2: "Probably Damaging"; Align-GVGD: "Class C0"). This variant has not been reported in the literature in individuals affected with FLNC-related conditions. This variant is not present in population databases (gnomAD no frequency). This sequence change replaces proline, which is neutral and non-polar, with leucine, which is neutral and non-polar, at codon 2678 of the FLNC protein (p.Pro2678Leu).

NM_001458.5(FLNC):c.8033C>T (p.Pro2678Leu)

Genes: FLNC (filamin C; plus strand), FLNC-AS1 (FLNC antisense RNA 1; minus strand). Cytogenetic location: 7q32.1.
Variant type: single nucleotide variant.
Coding change: c.8033C>T on transcript NM_001458.5 (MANE Select); coding-DNA position 8033, C replaced by T.
Protein change: p.Pro2678Leu; replaces proline 2678 with leucine.
Molecular consequence: missense variant.
Genome position (GRCh38, 1-based): chr7:128,858,378, C>T. VCF-style: chr7-128858378-C-T. GRCh37 (hg19) VCF-style: chr7-128498432-C-T.
Other names: c.7934C>T, p.Pro2645Leu (NM_001127487.2); short protein forms P2645L, P2678L.
Identifiers: ClinVar variation 1991494 (VCV001991494.4), dbSNP rs2536673717, ClinGen allele CA369221292.
Genomic context (GRCh38, chr7:128,858,378, plus strand): 5'-CTCTGCCTCCCTCTCCAGGCACCAACATGATGATGGTGGGCGTGCACGGCCCCAAGACCC[C>T]CTGTGAGGAGGTGTACGTGAAGCACATGGGGAACCGGGTGTACAATGTCACCTACACTGT-3'
Protein context (NP_001449.3, residues 2668-2688): MMVGVHGPKT[Pro2678Leu]CEEVYVKHMG